The following is an entry in ClinVar:

NM_001365999.1(SZT2):c.9292T>C (p.Leu3098=)

Gene: SZT2 (SZT2 subunit of KICSTOR complex; plus strand). Cytogenetic location: 1p34.2.
Variant type: single nucleotide variant.
Coding change: c.9292T>C on transcript NM_001365999.1 (MANE Select); coding-DNA position 9292, T replaced by C.
Protein change: p.Leu3098=; no amino-acid change (leucine 3098 retained).
Molecular consequence: synonymous variant.
Genome position (GRCh38, 1-based): chr1:43,447,550, T>C. VCF-style: chr1-43447550-T-C. GRCh37 (hg19) VCF-style: chr1-43913221-T-C.
Other names: p.Leu3041=; c.9121T>C, p.Leu3041= (NM_015284.4).
Identifiers: ClinVar variation 588137 (VCV000588137.44), dbSNP rs12089231, ClinGen allele CA810877.

ClinVar aggregate classification (germline): Benign/Likely benign. Review status: criteria provided, multiple submitters, no conflicts (2 of 4 stars). 8 submissions from 8 submitters: Benign (3); Likely benign (5). Last evaluated 2026-01-28.

Conditions:
Inborn genetic diseases. Identifiers: MedGen C0950123, MeSH D030342.
Developmental and epileptic encephalopathy, 18 (DEE18). Also called: Early infantile epileptic encephalopathy 18. Identifiers: Orphanet 369894, MedGen C3809624, MONDO:0014201, OMIM 615476.

Allele frequency attached by ClinVar (database versions not stated): gnomAD exomes 0.00026 and 0.00074; ExAC 0.00088; 1000 Genomes Project 30x 0.00219; 1000 Genomes Project 0.00240; gnomAD 0.00251 and 0.00279; ESP Exome Variant Server 0.00292; TOPMed 0.00302.
gnomAD v4.1: 776 of 1,613,874 alleles (0.048%); highest among the groups gnomAD compares: African/African-American, 0.9%; 4 homozygotes.

Submissions (8):

Labcorp Genetics (formerly Invitae), Labcorp
Classification: Benign. Last evaluated: 2026-01-28. Review status: criteria provided, single submitter. Criteria: Invitae Variant Classification Sherloc (09022015). Collection method: clinical testing. Allele origin: germline.

CeGaT Center for Human Genetics Tuebingen
Classification: Likely benign. Last evaluated: 2025-12-01. Review status: criteria provided, single submitter. Criteria: CeGaT Center For Human Genetics Tuebingen Variant Classification Criteria Version 2. Collection method: clinical testing. Allele origin: germline. Affected: yes. Observed: 3 variant alleles.
Comment: SZT2: BP4, BP7

Blueprint Genetics
Classification: Likely benign. Last evaluated: 2024-11-25. Review status: criteria provided, single submitter. Criteria: ACMG Guidelines, 2015. Collection method: clinical testing. Allele origin: germline.

Genome-Nilou Lab
Classification: Benign for Developmental and epileptic encephalopathy, 18. Last evaluated: 2023-04-11. Review status: criteria provided, single submitter. Criteria: ACMG Guidelines, 2015. Collection method: clinical testing. Allele origin: germline. Affected: no.

Mayo Clinic Laboratories, Mayo Clinic
Classification: Likely benign. Last evaluated: 2020-06-08. Review status: criteria provided, single submitter. Criteria: ACMG Guidelines, 2015. Collection method: clinical testing. Allele origin: germline. Observed: 2 variant alleles.

GeneDx
Classification: Benign. Last evaluated: 2018-10-02. Review status: criteria provided, single submitter. Criteria: GeneDx Variant Classification Process June 2021. Collection method: clinical testing. Allele origin: germline. Affected: yes.

Ambry Genetics
Classification: Likely benign for Inborn genetic diseases. Last evaluated: 2016-03-21. Review status: criteria provided, single submitter. Criteria: Ambry Variant Classification Scheme 2023. Collection method: clinical testing. Allele origin: germline.

Breakthrough Genomics
Classification: Likely benign. Review status: criteria provided, single submitter. Criteria: ACMG Guidelines, 2015. Collection method: not provided. Allele origin: germline. Inheritance: Autosomal recessive inheritance. Affected: yes.